The following is an entry in ClinVar:

NM_003265.3(TLR3):c.2590C>G (p.Leu864Val)

Gene: TLR3 (toll like receptor 3; plus strand). Cytogenetic location: 4q35.1.
Variant type: single nucleotide variant.
Coding change: c.2590C>G on transcript NM_003265.3 (MANE Select); coding-DNA position 2590, C replaced by G.
Protein change: p.Leu864Val; replaces leucine 864 with valine.
Molecular consequence: missense variant.
Genome position (GRCh38, 1-based): chr4:186,084,748, C>G. VCF-style: chr4-186084748-C-G. GRCh37 (hg19) VCF-style: chr4-187005902-C-G.
Other names: short protein forms L864V.
Identifiers: ClinVar variation 1366282 (VCV001366282.6), dbSNP rs2099304094, ClinGen allele CA358937892.

ClinVar aggregate classification (germline): Uncertain significance (1 of 4 stars; one submission).

Conditions:
Encephalopathy, acute, infection-induced (herpes-specific), susceptibility to, 1. Also called: Herpes simplex encephalitis, susceptibility to, 1. Identifiers: Orphanet 1930, MedGen C2750180, MONDO:0024563, OMIM 610551.

Allele frequency attached by ClinVar (database versions not stated): gnomAD exomes below 0.00001.
gnomAD v4.1: 1 of 1,614,030 alleles (0.000062%); highest among the groups gnomAD compares: Non-Finnish European, 0.000085%; no homozygotes.

Submission:

Labcorp Genetics (formerly Invitae), Labcorp
Classification: Uncertain significance for Encephalopathy, acute, infection-induced (herpes-specific), susceptibility to, 1. Last evaluated: 2024-04-14. Review status: criteria provided, single submitter. Criteria: Invitae Variant Classification Sherloc (09022015). Collection method: clinical testing. Allele origin: germline.
Comment: This sequence change replaces leucine, which is neutral and non-polar, with valine, which is neutral and non-polar, at codon 864 of the TLR3 protein (p.Leu864Val). This variant is not present in population databases (gnomAD no frequency). This variant has not been reported in the literature in individuals affected with TLR3-related conditions. ClinVar contains an entry for this variant (Variation ID: 1366282). An algorithm developed to predict the effect of missense changes on protein structure and function (PolyPhen-2) suggests that this variant is likely to be disruptive. In summary, the available evidence is currently insufficient to determine the role of this variant in disease. Therefore, it has been classified as a Variant of Uncertain Significance.